The following is an entry in ClinVar:

ClinVar aggregate classification (germline): Uncertain significance (1 of 4 stars; one submission).

Conditions:
Duchenne muscular dystrophy (DMD). Also called: Duchenne Muscular Dystrophy (DMD); MUSCULAR DYSTROPHY, PSEUDOHYPERTROPHIC PROGRESSIVE, DUCHENNE TYPE. Identifiers: Orphanet 98896, MedGen C0013264, MONDO:0010679, OMIM 310200.

Submission:

Labcorp Genetics (formerly Invitae), Labcorp
Classification: Uncertain significance for Duchenne muscular dystrophy. Last evaluated: 2021-08-12. Review status: criteria provided, single submitter. Criteria: Invitae Variant Classification Sherloc (09022015). Collection method: clinical testing. Allele origin: germline.
Comment: This variant results in a copy number gain of the genomic region encompassing exon(s) 28-44 of the DMD gene. While the exact position of this variant cannot be determined from the data, sub-genic copy number gains are generally in tandem (PMID: 25640679). This variant is predicted to be in-frame, and likely preserves the integrity of the reading frame. A similar copy number variant has been observed in individual(s) with Becker muscular dystrophy (Invitae). In summary, the available evidence is currently insufficient to determine the role of this variant in disease. Therefore, it has been classified as a Variant of Uncertain Significance.

Literature cited by the submitters: PubMed 25640679.

NC_000023.11:g.(?_32216906)_(32442157_?)dup

Gene: DMD (dystrophin; minus strand). Cytogenetic location: Xp21.1.
Variant type: Duplication.
Identifiers: ClinVar variation 830888 (VCV000830888.8).